The following is an entry in ClinVar:

ClinVar aggregate classification (germline): Uncertain significance. Review status: criteria provided, multiple submitters, no conflicts (2 of 4 stars). 2 submissions from 2 submitters: Uncertain significance (2). Last evaluated 2023-02-01.

Conditions:
Inborn genetic diseases. Identifiers: MedGen C0950123, MeSH D030342.
Neutral lipid storage myopathy (NLSDM). Also called: NEUTRAL LIPID STORAGE DISEASE WITHOUT ICHTHYOSIS. Identifiers: Orphanet 98908, MedGen C1853136, MONDO:0012545, OMIM 610717.

Allele frequency attached by ClinVar (database versions not stated): gnomAD exomes below 0.00001; TOPMed below 0.00001; gnomAD 0.00001.
gnomAD v4.1: 2 of 1,474,192 alleles (0.00014%); highest among the groups gnomAD compares: Non-Finnish European, 0.00018%; no homozygotes.

Submissions (2):

Ambry Genetics
Classification: Uncertain significance for Inborn genetic diseases. Last evaluated: 2023-02-01. Review status: criteria provided, single submitter. Criteria: Ambry Variant Classification Scheme 2023. Collection method: clinical testing. Allele origin: germline.

Labcorp Genetics (formerly Invitae), Labcorp
Classification: Uncertain significance for Neutral lipid storage myopathy. Last evaluated: 2022-08-18. Review status: criteria provided, single submitter. Criteria: Invitae Variant Classification Sherloc (09022015). Collection method: clinical testing. Allele origin: germline.
Comment: In summary, the available evidence is currently insufficient to determine the role of this variant in disease. Therefore, it has been classified as a Variant of Uncertain Significance. Algorithms developed to predict the effect of missense changes on protein structure and function (SIFT, PolyPhen-2, Align-GVGD) all suggest that this variant is likely to be tolerated. This variant has not been reported in the literature in individuals affected with PNPLA2-related conditions. This variant is not present in population databases (gnomAD no frequency). This sequence change replaces isoleucine, which is neutral and non-polar, with valine, which is neutral and non-polar, at codon 43 of the PNPLA2 protein (p.Ile43Val).

NM_020376.4(PNPLA2):c.127A>G (p.Ile43Val)

Genes: PNPLA2 (patatin like domain 2, triacylglycerol lipase; plus strand), LOC130005097 (ATAC-STARR-seq lymphoblastoid silent region 3036; plus strand). Cytogenetic location: 11p15.5.
Variant type: single nucleotide variant.
Coding change: c.127A>G on transcript NM_020376.4 (MANE Select); coding-DNA position 127, A replaced by G.
Protein change: p.Ile43Val; replaces isoleucine 43 with valine.
Molecular consequence: missense variant.
Genome position (GRCh38, 1-based): chr11:819,845, A>G. VCF-style: chr11-819845-A-G. GRCh37 (hg19) VCF-style: chr11-819845-A-G.
Other names: c.127A>G (NM_020376.3); short protein forms I43V.
Identifiers: ClinVar variation 2166678 (VCV002166678.6), dbSNP rs1845608812, ClinGen allele CA378976966.